The following is an entry in ClinVar:

ClinVar aggregate classification (germline): Uncertain significance. Review status: criteria provided, multiple submitters, no conflicts (2 of 4 stars). 2 submissions from 2 submitters: Uncertain significance (2). Last evaluated 2024-11-11.

Conditions:
ALG8 congenital disorder of glycosylation. Also called: ALG8-CDG; CONGENITAL DISORDER OF GLYCOSYLATION, TYPE Ih; CDG Ih. Identifiers: Orphanet 79325, MedGen C2931002, MONDO:0011969, OMIM 608104.
Polycystic liver disease 3 with or without kidney cysts. Identifiers: MedGen C4693472, MONDO:0054743, OMIM 617874.

Allele frequency attached by ClinVar (database versions not stated): TOPMed below 0.00001.

Submissions (2):

Labcorp Genetics (formerly Invitae), Labcorp
Classification: Uncertain significance for ALG8 congenital disorder of glycosylation. Last evaluated: 2024-11-11. Review status: criteria provided, single submitter. Criteria: Invitae Variant Classification Sherloc (09022015). Collection method: clinical testing. Allele origin: germline.
Comment: This sequence change replaces alanine, which is neutral and non-polar, with threonine, which is neutral and polar, at codon 258 of the ALG8 protein (p.Ala258Thr). This variant is not present in population databases (gnomAD no frequency). This variant has not been reported in the literature in individuals affected with ALG8-related conditions. ClinVar contains an entry for this variant (Variation ID: 1372613). Invitae Evidence Modeling of protein sequence and biophysical properties (such as structural, functional, and spatial information, amino acid conservation, physicochemical variation, residue mobility, and thermodynamic stability) indicates that this missense variant is not expected to disrupt ALG8 protein function with a negative predictive value of 80%. In summary, the available evidence is currently insufficient to determine the role of this variant in disease. Therefore, it has been classified as a Variant of Uncertain Significance.

Fulgent Genetics
Classification: Uncertain significance for ALG8 congenital disorder of glycosylation; Polycystic liver disease 3 with or without kidney cysts. Last evaluated: 2021-10-14. Review status: criteria provided, single submitter. Criteria: ACMG Guidelines, 2015. Collection method: clinical testing. Allele origin: unknown.

NM_024079.5(ALG8):c.772G>A (p.Ala258Thr)

Gene: ALG8 (ALG8 alpha-1,3-glucosyltransferase; minus strand). Cytogenetic location: 11q14.1.
Variant type: single nucleotide variant.
Coding change: c.772G>A on transcript NM_024079.5 (MANE Select); coding-DNA position 772, G replaced by A.
Protein change: p.Ala258Thr; replaces alanine 258 with threonine.
Molecular consequence: missense variant.
Genome position (GRCh38, 1-based): chr11:78,113,891, C>T on the plus strand (G>A on the coding strand, the complement: ALG8 is on the minus strand). VCF-style: chr11-78113891-C-T. GRCh37 (hg19) VCF-style: chr11-77824937-C-T.
Other names: c.772G>A, p.Ala258Thr (NM_001007027.3); short protein forms A258T.
Identifiers: ClinVar variation 1372613 (VCV001372613.8), dbSNP rs1860433537, ClinGen allele CA382116833.